The following is an entry in ClinVar:

ClinVar aggregate classification (germline): Conflicting classifications of pathogenicity. Review status: criteria provided, conflicting classifications (1 of 4 stars). 8 submissions from 8 submitters: Uncertain significance (7); Likely benign (1). Last evaluated 2024-07-23.

Conditions:
Cardiovascular phenotype. Identifiers: MedGen CN230736.
Cardiac arrhythmia. Also called: Arrhythmia; Cardiac rhythm disease. Identifiers: MedGen C0003811, MONDO:0007263, HP:0011675.
Long QT syndrome 2 (LQT2). Identifiers: Orphanet 101016, Orphanet 768, MedGen C3150943, MONDO:0013367, OMIM 613688.
Short QT syndrome type 1. Identifiers: Orphanet 51083, MedGen C1865020, MONDO:0012312, OMIM 609620.
Long QT syndrome (LQTS). Identifiers: MedGen C0023976, MeSH D008133, MONDO:0002442. Disease mechanism: loss of function. Inheritance: Various modes of inheritance.

Allele frequency attached by ClinVar (database versions not stated): TOPMed 0.00002; gnomAD exomes 0.00005; 1000 Genomes Project 30x 0.00031.
gnomAD v4.1: 28 of 1,530,420 alleles (0.0018%); highest among the groups gnomAD compares: East Asian, 0.017%; no homozygotes.

Submissions (8):

All of Us Research Program, National Institutes of Health
Classification: Uncertain significance for Long QT syndrome. Last evaluated: 2024-07-23. Review status: criteria provided, single submitter. Criteria: ACMG Guidelines, 2015. Collection method: clinical testing. Allele origin: germline. Inheritance: Autosomal dominant inheritance. Observed: 10 variant alleles, 10 heterozygotes.
Comment: This missense variant replaces threonine with methionine at codon 899 of the KCNH2 protein. Computational prediction suggests that this variant may not impact protein structure and function (internally defined REVEL score threshold <= 0.5, PMID: 27666373). To our knowledge, functional studies have not been reported for this variant. This variant has not been reported in individuals affected with cardiovascular disorders in the literature. This variant has been identified in 7/157742 chromosomes in the general population by the Genome Aggregation Database (gnomAD). The available evidence is insufficient to determine the role of this variant in disease conclusively. Therefore, this variant is classified as a Variant of Uncertain Significance.

This study involves interpretation of variants in research participants for the purpose of population health screening. Participant phenotype was not available at the time of variant classification. Additional details can be found in publication PMID: 35346344, PMCID: PMC8962531

Color Diagnostics, LLC DBA Color Health
Classification: Uncertain significance for Cardiac arrhythmia. Last evaluated: 2024-05-06. Review status: criteria provided, single submitter. Criteria: ACMG Guidelines, 2015. Collection method: clinical testing. Allele origin: germline.
Comment: This missense variant replaces threonine with methionine at codon 899 of the KCNH2 protein. Computational prediction suggests that this variant may not impact protein structure and function. To our knowledge, functional studies have not been reported for this variant. This variant has not been reported in individuals affected with cardiovascular disorders in the literature. This variant has been identified in 7/157742 chromosomes in the general population by the Genome Aggregation Database (gnomAD). The available evidence is insufficient to determine the role of this variant in disease conclusively. Therefore, this variant is classified as a Variant of Uncertain Significance.

Labcorp Genetics (formerly Invitae), Labcorp
Classification: Uncertain significance for Long QT syndrome. Last evaluated: 2024-01-30. Review status: criteria provided, single submitter. Criteria: Invitae Variant Classification Sherloc (09022015). Collection method: clinical testing. Allele origin: germline.
Comment: This sequence change replaces threonine, which is neutral and polar, with methionine, which is neutral and non-polar, at codon 899 of the KCNH2 protein (p.Thr899Met). This variant is present in population databases (no rsID available, gnomAD 0.02%). This variant has not been reported in the literature in individuals affected with KCNH2-related conditions. ClinVar contains an entry for this variant (Variation ID: 862133). Algorithms developed to predict the effect of missense changes on protein structure and function output the following: SIFT: "Not Available"; PolyPhen-2: "Benign"; Align-GVGD: "Not Available". The methionine amino acid residue is found in multiple mammalian species, which suggests that this missense change does not adversely affect protein function. In summary, the available evidence is currently insufficient to determine the role of this variant in disease. Therefore, it has been classified as a Variant of Uncertain Significance.

GeneDx
Classification: Uncertain significance. Last evaluated: 2023-10-02. Review status: criteria provided, single submitter. Criteria: GeneDx Variant Classification Process June 2021. Collection method: clinical testing. Allele origin: germline. Affected: yes.
Comment: In silico analysis supports that this missense variant does not alter protein structure/function; This variant is associated with the following publications: (PMID: 31696929)

Clinical Genomics Laboratory, Stanford Medicine
Classification: Uncertain significance for Long QT syndrome 2; Short QT syndrome type 1. Last evaluated: 2023-08-16. Review status: criteria provided, single submitter. Criteria: ACMG Guidelines, 2015. Collection method: clinical testing. Allele origin: germline. Observed: 1 variant allele, 1 heterozygote.
Comment: The p.Thr899Met variant in the KCNH2 gene has not been previously reported in association with disease. This variant has been identified in 2/11,920 East Asian chromosomes (7/157,742 chromosomes overall) by the Genome Aggregation Database. This variant is present in ClinVar (Accession: VCV000862133.57). The KCNH2 gene has fewer missense variants in the general population than expected. A low rate of missense variation may suggest that this gene is intolerant to missense variation. The threonine at position 899 is poorly evolutionarily conserved. Computational tools predict that the p.Thr899Met variant is neither deleterious nor benign; however, the accuracy of in silico algorithms is limited. These data were assessed using the ACMG/AMP variant interpretation guidelines. In summary, the significance of the p.Thr899Met variant is uncertain. Additional information is needed to resolve the significance of this variant. [ACMG evidence codes used: PM2; PP2]

Ambry Genetics
Classification: Uncertain significance for Cardiovascular phenotype. Last evaluated: 2021-10-20. Review status: criteria provided, single submitter. Criteria: Ambry Variant Classification Scheme 2023. Collection method: clinical testing. Allele origin: germline.
Comment: The p.T899M variant (also known as c.2696C>T), located in coding exon 12 of the KCNH2 gene, results from a C to T substitution at nucleotide position 2696. The threonine at codon 899 is replaced by methionine, an amino acid with similar properties. This alteration has been reported in a long QT syndrome and Brugada syndrome cohort (Li X et al. Ann Hum Genet, 2020 03;84:161-168). This amino acid position is poorly conserved in available vertebrate species. In addition, the in silico prediction for this alteration is inconclusive. Since supporting evidence is limited at this time, the clinical significance of this alteration remains unclear.

Fulgent Genetics
Classification: Uncertain significance for Short QT syndrome type 1; Long QT syndrome 2. Last evaluated: 2021-08-10. Review status: criteria provided, single submitter. Criteria: ACMG Guidelines, 2015. Collection method: clinical testing. Allele origin: unknown.

Blueprint Genetics
Classification: Likely benign. Last evaluated: 2018-12-19. Review status: criteria provided, single submitter. Criteria: ACMG Guidelines, 2015. Collection method: clinical testing. Allele origin: germline.

Literature cited by the submitters: PubMed 31696929 (cited by Ambry Genetics).

NM_000238.4(KCNH2):c.2696C>T (p.Thr899Met)

Gene: KCNH2 (potassium voltage-gated channel subfamily H member 2; minus strand). Cytogenetic location: 7q36.1.
Variant type: single nucleotide variant.
Coding change: c.2696C>T on transcript NM_000238.4 (MANE Select); coding-DNA position 2696, C replaced by T.
Protein change: p.Thr899Met; replaces threonine 899 with methionine.
Molecular consequence: missense variant.
Genome position (GRCh38, 1-based): chr7:150,947,875, G>A on the plus strand (C>T on the coding strand, the complement: KCNH2 is on the minus strand). VCF-style: chr7-150947875-G-A. GRCh37 (hg19) VCF-style: chr7-150644963-G-A.
Other names: c.1676C>T, p.Thr559Met (NM_172057.3); c.2696C>T (NM_000238.2); short protein forms T559M, T899M.
Identifiers: ClinVar variation 862133 (VCV000862133.59), dbSNP rs1480554629, ClinGen allele CA369853568.